The following is an entry in ClinVar:

ClinVar aggregate classification (germline): Pathogenic/Likely pathogenic. Review status: criteria provided, multiple submitters, no conflicts (2 of 4 stars). 2 submissions from 2 submitters: Pathogenic (1); Likely pathogenic (1). Last evaluated 2023-12-19.

Submissions (2):

Labcorp Genetics (formerly Invitae), Labcorp
Classification: Pathogenic. Last evaluated: 2023-12-19. Review status: criteria provided, single submitter. Criteria: Invitae Variant Classification Sherloc (09022015). Collection method: clinical testing. Allele origin: germline.
Comment: This sequence change creates a premature translational stop signal (p.Gln44Lysfs*45) in the NBAS gene. It is expected to result in an absent or disrupted protein product. Loss-of-function variants in NBAS are known to be pathogenic (PMID: 26073778, 26541327, 27789416, 28031453). This variant is not present in population databases (gnomAD no frequency). This variant has not been reported in the literature in individuals affected with NBAS-related conditions. ClinVar contains an entry for this variant (Variation ID: 421538). For these reasons, this variant has been classified as Pathogenic.

GeneDx
Classification: Likely pathogenic. Last evaluated: 2016-06-23. Review status: criteria provided, single submitter. Criteria: GeneDx Variant Classification (06012015). Collection method: clinical testing. Allele origin: germline. Affected: yes.
Comment: The c.130delC variant in the NBAS gene has not been reported previously as a pathogenic variant nor as a benign variant, to our knowledge. This variant causes a frameshift starting with codon Glutamine 44, changes this amino acid to a Lysine residue, and creates a premature Stop codon at position 45 of the new reading frame, denoted p.Gln44LysfsX45. This variant is predicted to cause loss of normal protein function either through protein truncation or nonsense-mediated mRNA decay. The c.130delC variant was not observed in approximately 6500 individuals of European and African American ancestry in the NHLBI Exome Sequencing Project, indicating it is not a common benign variant in these populations. The c.130delC variant is a strong candidate for a pathogenic variant, however the possibility it may be a rare benign variant cannot be excluded.

Literature cited by the submitters: PubMed 26073778 (cited by Labcorp Genetics (formerly Invitae), Labcorp); PubMed 26541327 (cited by Labcorp Genetics (formerly Invitae), Labcorp); PubMed 27789416 (cited by Labcorp Genetics (formerly Invitae), Labcorp); PubMed 28031453 (cited by Labcorp Genetics (formerly Invitae), Labcorp).

NM_015909.4(NBAS):c.130del (p.Gln44fs)

Gene: NBAS (NBAS subunit of NRZ tethering complex; minus strand). Cytogenetic location: 2p24.3.
Variant type: Deletion.
Coding change: c.130del on transcript NM_015909.4 (MANE Select); coding-DNA position 130, one base deleted (C; older notation c.130delC).
Protein change: p.Gln44fs; shifts the reading frame from glutamine 44.
Molecular consequence: frameshift variant. On other transcripts: non-coding transcript variant (1).
Genome position (GRCh38, 1-based): chr2:15,558,622, G deleted on the plus strand (C on the coding strand, the reverse complement: NBAS is on the minus strand); the first of 2 consecutive G bases (chr2:15,558,622-15,558,623); deleting either gives the same sequence. VCF-style (leftmost placement, unchanged base first): chr2-15558621-TG-T. GRCh37 (hg19) VCF-style: chr2-15698745-TG-T.
Other names: short protein forms Q44fs.
Identifiers: ClinVar variation 421538 (VCV000421538.5), dbSNP rs1064795199, ClinGen allele CA16617251.